The following is an entry in ClinVar:

NM_001146.5(ANGPT1):c.554T>A (p.Leu185Ter)

Gene: ANGPT1 (angiopoietin 1; minus strand). Cytogenetic location: 8q23.1.
Variant type: single nucleotide variant.
Coding change: c.554T>A on transcript NM_001146.5 (MANE Select); coding-DNA position 554, T replaced by A.
Protein change: p.Leu185Ter; replaces leucine 185 with a stop codon.
Molecular consequence: nonsense. On other transcripts: 5 prime UTR variant (1).
Genome position (GRCh38, 1-based): chr8:107,336,171, A>T on the plus strand (T>A on the coding strand, the complement: ANGPT1 is on the minus strand). VCF-style: chr8-107336171-A-T. GRCh37 (hg19) VCF-style: chr8-108348399-A-T.
Other names: c.554T>A, p.Leu185Ter (NM_001199859.3); c.-47T>A (NM_001314051.2); short protein forms L185*.
Identifiers: ClinVar variation 2818332 (VCV002818332.3), dbSNP rs2488284431, ClinGen allele CA372034483.
Genomic context (GRCh38, chr8:107,336,171, plus strand): 5'-GTACACACAGAAACATTTTTGGAATAAAGCAATCCTCACCTGTTTTTTTCATGGATCTTC[A>T]AGATTTCATTTGTCTGTTGAAGAAGTTGCTTCTCTAGCTTGTAGGTGGATAATGAATTCT-3'

ClinVar aggregate classification (germline): Uncertain significance (1 of 4 stars; one submission).

Submission:

Labcorp Genetics (formerly Invitae), Labcorp
Classification: Uncertain significance. Last evaluated: 2022-12-03. Review status: criteria provided, single submitter. Criteria: Invitae Variant Classification Sherloc (09022015). Collection method: clinical testing. Allele origin: germline.
Comment: In summary, the available evidence is currently insufficient to determine the role of this variant in disease. Therefore, it has been classified as a Variant of Uncertain Significance. This variant has not been reported in the literature in individuals affected with ANGPT1-related conditions. This variant is not present in population databases (gnomAD no frequency). This sequence change creates a premature translational stop signal (p.Leu185*) in the ANGPT1 gene. It is expected to result in an absent or disrupted protein product. However, the current clinical and genetic evidence is not sufficient to establish whether loss-of-function variants in ANGPT1 cause disease.